The following is an entry in ClinVar:

ClinVar aggregate classification (germline): Conflicting classifications of pathogenicity. Review status: criteria provided, conflicting classifications (1 of 4 stars). 3 submissions from 2 submitters: Likely pathogenic (1); Uncertain significance (2). Last evaluated 2018-01-13.

Conditions:
Hereditary motor and sensory neuropathy with optic atrophy. Also called: PERIPHERAL NEUROPATHY AND OPTIC ATROPHY; CHARCOT-MARIE-TOOTH DISEASE, TYPE 6. Identifiers: Orphanet 90120, MedGen C0393807, MONDO:0019551.
Charcot-Marie-Tooth disease type 2. Also called: Charcot-Marie-Tooth type 2. Identifiers: Orphanet 64746, MedGen C0270914, MONDO:0018993.

Allele frequency attached by ClinVar (database versions not stated): gnomAD exomes below 0.00001; TOPMed below 0.00001.
gnomAD v4.1: 6 of 1,614,088 alleles (0.00037%); highest among the groups gnomAD compares: Non-Finnish European, 0.00051%; no homozygotes.

Submissions (3):

Illumina Laboratory Services, Illumina
Classification: Uncertain significance for Charcot-Marie-Tooth disease, type 2. Last evaluated: 2018-01-13. Review status: criteria provided, single submitter. Criteria: ICSL Variant Classification Criteria 13 December 2019. Collection method: clinical testing. Allele origin: germline.

Illumina Laboratory Services, Illumina
Classification: Uncertain significance for Neuropathy, hereditary motor and sensory, type 6A. Last evaluated: 2018-01-13. Review status: criteria provided, single submitter. Criteria: ICSL Variant Classification Criteria 13 December 2019. Collection method: clinical testing. Allele origin: germline.

GeneDx
Classification: Likely pathogenic. Last evaluated: 2014-05-02. Review status: criteria provided, single submitter. Criteria: GeneDx Variant Classification (06012015). Collection method: clinical testing. Allele origin: germline. Affected: yes.
Comment: p.Arg300Cys: c.898 C>T (NM_014874.3). The R300C variant has not been published as a mutation, nor has it been reported as a benign polymorphism to our knowledge. The R300C variant was not observed in approximately 6500 individuals of European and African American ancestry in the NHLBI Exome Sequencing Project, indicating it is not a common benign variant in these populations. The R300C variant is a non-conservative amino acid substitution, which is likely to impact secondary protein structure as these residues differ in polarity, charge, size and/or other properties. This substitution occurs at a position that is conserved across species. In silico analysis predicts this variant is probably damaging to the protein structure/function. A missense mutation in a nearby residue (G298R) has been reported in association with Charcot-Marie- Tooth neuropathy type 2A, supporting the functional importance of this region of the protein. Therefore, R300C is interpreted to be a strong candidate for a disease-causing mutation. The variant is found in MITONUC-MITOP panel(s).

NM_014874.4(MFN2):c.898C>T (p.Arg300Cys)

Gene: MFN2 (mitofusin 2; plus strand). Cytogenetic location: 1p36.22.
Variant type: single nucleotide variant.
Coding change: c.898C>T on transcript NM_014874.4 (MANE Select); coding-DNA position 898, C replaced by T.
Protein change: p.Arg300Cys; replaces arginine 300 with cysteine.
Molecular consequence: missense variant.
Genome position (GRCh38, 1-based): chr1:12,001,482, C>T. VCF-style: chr1-12001482-C-T. GRCh37 (hg19) VCF-style: chr1-12061539-C-T.
Other names: p.R300C:CGC>TGC; c.898C>T, p.Arg300Cys (NM_001127660.2); short protein forms R300C.
Identifiers: ClinVar variation 214643 (VCV000214643.6), dbSNP rs863224066, ClinGen allele CA319825.
Genomic context (GRCh38, chr1:12,001,482, plus strand): 5'-CGTTGTACCAGCTTCCTGGTGGATGAGCTGGGCGTGGTGGATCGATCCCAGGCCGGGGAC[C>T]GCATCTTCTTTGTGTCTGCTAAGGAGGTGCTCAACGCCAGGATTCAGAAAGCCCAGGGCA-3'
Protein context (NP_055689.1, residues 290-310): GVVDRSQAGD[Arg300Cys]IFFVSAKEVL